The following is an entry in ClinVar:

ClinVar aggregate classification (germline): Likely benign. Review status: criteria provided, single submitter (1 of 4 stars). 2 submissions from 2 submitters: Likely benign (1). 1 of the submissions does not count toward it. Last evaluated 2022-09-11.

Conditions:
ALPK2-related disorder. Also called: ALPK2-related condition.

Allele frequency attached by ClinVar (database versions not stated): gnomAD exomes 0.00089; ExAC 0.00260; 1000 Genomes Project 30x 0.00687; 1000 Genomes Project 0.00719; gnomAD 0.00776; TOPMed 0.00870; ESP Exome Variant Server 0.00877.
gnomAD v4.1: 2,549 of 1,614,182 alleles (0.16%); highest among the groups gnomAD compares: African/African-American, 2.7%; 31 homozygotes.

Submissions (2):

Ambry Genetics
Classification: Likely benign. Last evaluated: 2022-09-11. Review status: criteria provided, single submitter. Criteria: Ambry Variant Classification Scheme 2023. Collection method: clinical testing. Allele origin: germline.

PreventionGenetics, part of Exact Sciences
Classification: Benign for ALPK2-related condition. Last evaluated: 2019-02-21. Review status: no assertion criteria provided. Collection method: clinical testing. Allele origin: germline. Not counted in ClinVar's aggregate classification.
Comment: This variant is classified as benign based on ACMG/AMP sequence variant interpretation guidelines (Richards et al. 2015 PMID: 25741868, with internal and published modifications).

NM_052947.4(ALPK2):c.4352T>C (p.Ile1451Thr)

Genes: ALPK2 (alpha kinase 2; minus strand), LOC126862764 (BRD4-independent group 4 enhancer GRCh37_chr18:56202574-56203773; plus strand). Cytogenetic location: 18q21.31.
Variant type: single nucleotide variant.
Coding change: c.4352T>C on transcript NM_052947.4 (MANE Select); coding-DNA position 4352, T replaced by C.
Protein change: p.Ile1451Thr; replaces isoleucine 1451 with threonine.
Molecular consequence: missense variant.
Genome position (GRCh38, 1-based): chr18:58,535,835, A>G on the plus strand (T>C on the coding strand, the complement: ALPK2 is on the minus strand). VCF-style: chr18-58535835-A-G. GRCh37 (hg19) VCF-style: chr18-56203067-A-G.
Other names: short protein forms I1451T.
Identifiers: ClinVar variation 1739944 (VCV001739944.4), dbSNP rs56323211, ClinGen allele CA8976716.